The following is an entry in ClinVar:

ClinVar aggregate classification (germline): Conflicting classifications of pathogenicity. Review status: criteria provided, conflicting classifications (1 of 4 stars). 2 submissions from 2 submitters: Uncertain significance (1); Likely benign (1). Last evaluated 2024-05-23.

Conditions:
Inborn genetic diseases. Identifiers: MedGen C0950123, MeSH D030342.
Ichthyosis linearis circumflexa. Identifiers: MedGen C0265962, MONDO:0043106, HP:0025810.

Allele frequency attached by ClinVar (database versions not stated): gnomAD 0.00003; TOPMed 0.00003; ExAC 0.00004.
gnomAD v4.1: 14 of 1,612,076 alleles (0.00087%); highest among the groups gnomAD compares: East Asian, 0.011%; no homozygotes.

Submissions (2):

Ambry Genetics
Classification: Likely benign for Inborn genetic diseases. Last evaluated: 2024-05-23. Review status: criteria provided, single submitter. Criteria: Ambry Variant Classification Scheme 2023. Collection method: clinical testing. Allele origin: germline.

Labcorp Genetics (formerly Invitae), Labcorp
Classification: Uncertain significance for Ichthyosis linearis circumflexa. Last evaluated: 2023-08-04. Review status: criteria provided, single submitter. Criteria: Invitae Variant Classification Sherloc (09022015). Collection method: clinical testing. Allele origin: germline.
Comment: This sequence change replaces arginine, which is basic and polar, with glutamine, which is neutral and polar, at codon 350 of the SPINK5 protein (p.Arg350Gln). This variant is present in population databases (rs776194091, gnomAD 0.04%). This variant has not been reported in the literature in individuals affected with SPINK5-related conditions. ClinVar contains an entry for this variant (Variation ID: 2166718). Advanced modeling of protein sequence and biophysical properties (such as structural, functional, and spatial information, amino acid conservation, physicochemical variation, residue mobility, and thermodynamic stability) performed at Invitae indicates that this missense variant is not expected to disrupt SPINK5 protein function. In summary, the available evidence is currently insufficient to determine the role of this variant in disease. Therefore, it has been classified as a Variant of Uncertain Significance.

NM_006846.4(SPINK5):c.1049G>A (p.Arg350Gln)

Gene: SPINK5 (serine peptidase inhibitor Kazal type 5; plus strand). Cytogenetic location: 5q32.
Variant type: single nucleotide variant.
Coding change: c.1049G>A on transcript NM_006846.4 (MANE Select); coding-DNA position 1049, G replaced by A.
Protein change: p.Arg350Gln; replaces arginine 350 with glutamine.
Molecular consequence: missense variant.
Genome position (GRCh38, 1-based): chr5:148,099,272, G>A. VCF-style: chr5-148099272-G-A. GRCh37 (hg19) VCF-style: chr5-147478835-G-A.
Other names: c.1049G>A, p.Arg350Gln (NM_001127698.2, NM_001127699.2); short protein forms R350Q.
Identifiers: ClinVar variation 2166718 (VCV002166718.5), dbSNP rs776194091, ClinGen allele CA3495449.
Genomic context (GRCh38, chr5:148,099,272, plus strand): 5'-CTTCTTTTTCCCTCTTATTCAGCCAAGCAGAAAATGAAGAAAAGAAAAAGGCTGAAGCAC[G>A]AGCTAGAAACAAAAGAGAATCTGGAAAAGCAACCTCATATGCAGTGAGTGGAATCCATCC-3'
Protein context (NP_006837.2, residues 340-360): ENEEKKKAEA[Arg350Gln]ARNKRESGKA